The following is an entry in ClinVar:

ClinVar aggregate classification (germline): Likely pathogenic (1 of 4 stars; one submission).

Conditions:
Joubert syndrome. Also called: Familial aplasia of the vermis; CEREBELLOPARENCHYMAL DISORDER IV; JOUBERT-BOLTSHAUSER SYNDROME. Identifiers: Orphanet 475, MedGen C5979921, MONDO:0018772.
Meckel-Gruber syndrome. Also called: Dysencephalia splachnocystica; DYSENCEPHALIA SPLANCHNOCYSTICA; GRUBER SYNDROME. Identifiers: Orphanet 564, MedGen C0265215, MONDO:0018921.

Submission:

Labcorp Genetics (formerly Invitae), Labcorp
Classification: Likely pathogenic for Joubert syndrome; Meckel-Gruber syndrome. Last evaluated: 2020-09-24. Review status: criteria provided, single submitter. Criteria: Invitae Variant Classification Sherloc (09022015). Collection method: clinical testing. Allele origin: germline.
Comment: This variant results in the deletion of part of exon 15 (c.1399_1407+4del) of the MKS1 gene. It is expected to disrupt RNA splicing and likely results in an absent or disrupted protein product. This variant is not present in population databases (ExAC no frequency). This variant has not been reported in the literature in individuals with MKS1-related conditions. Algorithms developed to predict the effect of sequence changes on RNA splicing suggest that this variant may disrupt the consensus splice site, but this prediction has not been confirmed by published transcriptional studies. Loss-of-function variants in MKS1 are known to be pathogenic (PMID: 19466712, 24886560, 26490104). In summary, the currently available evidence indicates that the variant is pathogenic, but additional data are needed to prove that conclusively. Therefore, this variant has been classified as Likely Pathogenic.

Literature cited by the submitters: PubMed 19466712; PubMed 24886560; PubMed 26490104.

NM_017777.4(MKS1):c.1399_1407+4del

Gene: MKS1 (MKS transition zone complex subunit 1; minus strand). Cytogenetic location: 17q22.
Variant type: Deletion.
Coding change: c.1399_1407+4del on transcript NM_017777.4 (MANE Select); coding-DNA position 1399 through 4 bases into the intron after coding-DNA position 1407, 13 bases deleted (TCCTTCAAGGTGA).
Molecular consequence: splice donor variant. On other transcripts: intron variant (1).
Genome position (GRCh38, 1-based): chr17:58,207,081-58,207,093, TCACCTTGAAGGA deleted on the plus strand (TCCTTCAAGGTGA on the coding strand, the reverse complement: MKS1 is on the minus strand); deleting any 13 consecutive bases within chr17:58,207,081-58,207,095 gives the same sequence; the c. name uses the placement nearest the transcript's 3' end. VCF-style (leftmost placement, unchanged base first): chr17-58207080-GTCACCTTGAAGGA-G. GRCh37 (hg19) VCF-style: chr17-56284441-GTCACCTTGAAGGA-G.
Other names: c.790_798+4del (NM_001321268.2); c.1274-713_1274-701del (NM_001330397.2); c.1399_1407+4del (NM_001321269.2).
Identifiers: ClinVar variation 1067998 (VCV001067998.7), dbSNP rs2143742869, ClinGen allele CA2499224746.
Genomic context (GRCh38, chr17:58,207,080, plus strand): 5'-CACCTCCTACAGAAGGACAGGACCATAAGTTCTCAGCGTGAAGTCACTCCAAAGACAAAA[GTCACCTTGAAGGA>G]TCCTGGTATCCGTACATAGGAGAGGTCCTCCAGTTCCAGAGAACCGCCAATGAAAAACCT-3'